The following is an entry in ClinVar:

NM_000322.5(PRPH2):c.781C>T (p.Leu261Phe)

Gene: PRPH2 (peripherin 2; minus strand). Cytogenetic location: 6p21.1.
Variant type: single nucleotide variant.
Coding change: c.781C>T on transcript NM_000322.5 (MANE Select); coding-DNA position 781, C replaced by T.
Protein change: p.Leu261Phe; replaces leucine 261 with phenylalanine.
Molecular consequence: missense variant.
Genome position (GRCh38, 1-based): chr6:42,704,412, G>A on the plus strand (C>T on the coding strand, the complement: PRPH2 is on the minus strand). VCF-style: chr6-42704412-G-A. GRCh37 (hg19) VCF-style: chr6-42672150-G-A.
Other names: short protein forms L261F.
Identifiers: ClinVar variation 1091067 (VCV001091067.12), dbSNP rs150381599, ClinGen allele CA3808538.

ClinVar aggregate classification (germline): Conflicting classifications of pathogenicity. Review status: criteria provided, conflicting classifications (1 of 4 stars). 4 submissions from 4 submitters: Uncertain significance (2); Likely benign (1). 1 of the submissions does not count toward it. Last evaluated 2026-01-05.

Conditions:
PRPH2-related disorder. Also called: PRPH2-related condition; PRPH2-related disorders. Identifiers: MedGen CN239395.

Allele frequency attached by ClinVar (database versions not stated): gnomAD exomes 0.00011; ExAC 0.00013; ESP Exome Variant Server 0.00023.

Submissions (4):

Labcorp Genetics (formerly Invitae), Labcorp
Classification: Likely benign for PRPH2-related disorder. Last evaluated: 2026-01-05. Review status: criteria provided, single submitter. Criteria: Invitae Variant Classification Sherloc (09022015). Collection method: clinical testing. Allele origin: germline.

Blueprint Genetics
Classification: Uncertain significance. Last evaluated: 2023-12-22. Review status: criteria provided, single submitter. Criteria: ACMG Guidelines, 2015. Collection method: clinical testing. Allele origin: germline.

GeneDx
Classification: Uncertain significance. Last evaluated: 2022-12-21. Review status: criteria provided, single submitter. Criteria: GeneDx Variant Classification Process June 2021. Collection method: clinical testing. Allele origin: germline. Affected: yes.
Comment: Identified in a patient with age-related macular degeneration in published literature, although additional clinical information and familial segregation data were not included (Peeters et al., 2021); In silico analysis supports that this missense variant does not alter protein structure/function; This variant is associated with the following publications: (PMID: 34411390)

Leiden Open Variation Database
Classification: Uncertain significance. Last evaluated: 2021-04-06. Review status: no assertion criteria provided. Collection method: curation. Allele origin: germline. Affected: yes. Not counted in ClinVar's aggregate classification.
Comment: Curator: Global Variome, with Curator vacancy. Submitter to LOVD: Manon Peeters.

Literature cited by the submitters: PubMed 32717343 (cited by Leiden Open Variation Database).